The following is an entry in ClinVar:

ClinVar aggregate classification (germline): Benign/Likely benign. Review status: criteria provided, multiple submitters, no conflicts (2 of 4 stars). 5 submissions from 5 submitters: Benign (2); Likely benign (3). Last evaluated 2026-08-01.

Conditions:
Ataxia - intellectual disability - oculomotor apraxia - cerebellar cysts syndrome. Also called: Poretti-Boltshauser syndrome. Identifiers: Orphanet 370022, MedGen C4014821, MONDO:0014419, OMIM 615960.

Allele frequency attached by ClinVar (database versions not stated): ExAC 0.00204; ESP Exome Variant Server 0.00238; gnomAD exomes 0.00253 and 0.00184; 1000 Genomes Project 0.00060; 1000 Genomes Project 30x 0.00078; gnomAD 0.00169 and 0.00176; TOPMed 0.00185.
gnomAD v4.1: 3,927 of 1,614,100 alleles (0.24%); highest among the groups gnomAD compares: Non-Finnish European, 0.31%; 9 homozygotes.

Submissions (5):

CeGaT Center for Human Genetics Tuebingen
Classification: Likely benign. Last evaluated: 2026-08-01. Review status: criteria provided, single submitter. Criteria: CeGaT Center For Human Genetics Tuebingen Variant Classification Criteria Version 2. Collection method: clinical testing. Allele origin: germline. Affected: yes. Observed: 19 variant alleles.
Comment: LAMA1: BP4, BP7

Labcorp Genetics (formerly Invitae), Labcorp
Classification: Benign. Last evaluated: 2026-02-01. Review status: criteria provided, single submitter. Criteria: Invitae Variant Classification Sherloc (09022015). Collection method: clinical testing. Allele origin: germline.

Blueprint Genetics
Classification: Likely benign. Last evaluated: 2024-11-25. Review status: criteria provided, single submitter. Criteria: ACMG Guidelines, 2015. Collection method: clinical testing. Allele origin: germline.

Mayo Clinic Laboratories, Mayo Clinic
Classification: Benign. Last evaluated: 2024-10-21. Review status: criteria provided, single submitter. Criteria: ACMG Guidelines, 2015. Collection method: clinical testing. Allele origin: germline. Observed: 5 variant alleles.
Comment: BS1, BS2, BP4, BP7

Fulgent Genetics
Classification: Likely benign for Ataxia - intellectual disability - oculomotor apraxia - cerebellar cysts syndrome. Last evaluated: 2022-02-14. Review status: criteria provided, single submitter. Criteria: ACMG Guidelines, 2015. Collection method: clinical testing. Allele origin: unknown.

NM_005559.4(LAMA1):c.4554C>T (p.His1518=)

Gene: LAMA1 (laminin subunit alpha 1; minus strand). Cytogenetic location: 18p11.31.
Variant type: single nucleotide variant.
Coding change: c.4554C>T on transcript NM_005559.4 (MANE Select); coding-DNA position 4554, C replaced by T.
Protein change: p.His1518=; no amino-acid change (histidine 1518 retained).
Molecular consequence: synonymous variant.
Genome position (GRCh38, 1-based): chr18:6,999,554, G>A on the plus strand (C>T on the coding strand, the complement: LAMA1 is on the minus strand). VCF-style: chr18-6999554-G-A. GRCh37 (hg19) VCF-style: chr18-6999553-G-A.
Other names: p.His1518=.
Identifiers: ClinVar variation 718802 (VCV000718802.46), dbSNP rs145068849, ClinGen allele CA8881883.